The following is an entry in ClinVar:

NM_017950.4(CCDC40):c.3196G>A (p.Val1066Met)

Gene: CCDC40 (coiled-coil domain 40 molecular ruler complex subunit; plus strand). Cytogenetic location: 17q25.3.
Variant type: single nucleotide variant.
Coding change: c.3196G>A on transcript NM_017950.4 (MANE Select); coding-DNA position 3196, G replaced by A.
Protein change: p.Val1066Met; replaces valine 1066 with methionine.
Molecular consequence: missense variant.
Genome position (GRCh38, 1-based): chr17:80,099,542, G>A. VCF-style: chr17-80099542-G-A. GRCh37 (hg19) VCF-style: chr17-78073341-G-A.
Other names: short protein forms V1066M.
Identifiers: ClinVar variation 890467 (VCV000890467.13), dbSNP rs374932269, ClinGen allele CA8814669.

ClinVar aggregate classification (germline): Uncertain significance. Review status: criteria provided, multiple submitters, no conflicts (2 of 4 stars). 3 submissions from 3 submitters: Uncertain significance (3). Last evaluated 2025-09-28.

Conditions:
Primary ciliary dyskinesia. Also called: Ciliary dyskinesia. Identifiers: Orphanet 244, MedGen C0008780, MONDO:0016575, HP:0012265.
Primary ciliary dyskinesia 15. Also called: CILIARY DYSKINESIA, PRIMARY, 15, WITH OR WITHOUT SITUS INVERSUS. Identifiers: Orphanet 244, MedGen C3151137, MONDO:0013435, OMIM 613808.

Allele frequency attached by ClinVar (database versions not stated): gnomAD 0.00001; ExAC 0.00002; gnomAD exomes 0.00002 and 0.00005; TOPMed 0.00002; ESP Exome Variant Server 0.00008.
gnomAD v4.1: 78 of 1,610,248 alleles (0.0048%); highest among the groups gnomAD compares: Non-Finnish European, 0.0063%; no homozygotes.

Submissions (3):

Ambry Genetics
Classification: Uncertain significance for Primary ciliary dyskinesia. Last evaluated: 2025-09-28. Review status: criteria provided, single submitter. Criteria: Ambry Variant Classification Scheme 2023. Collection method: clinical testing. Allele origin: germline.

Labcorp Genetics (formerly Invitae), Labcorp
Classification: Uncertain significance for Primary ciliary dyskinesia. Last evaluated: 2020-08-06. Review status: criteria provided, single submitter. Criteria: Invitae Variant Classification Sherloc (09022015). Collection method: clinical testing. Allele origin: germline.
Comment: In summary, the available evidence is currently insufficient to determine the role of this variant in disease. Therefore, it has been classified as a Variant of Uncertain Significance. Algorithms developed to predict the effect of missense changes on protein structure and function are either unavailable or do not agree on the potential impact of this missense change (SIFT: "Deleterious"; PolyPhen-2: "Probably Damaging"; Align-GVGD: "Class C0"). This variant has not been reported in the literature in individuals with CCDC40-related conditions. This variant is present in population databases (rs374932269, ExAC 0.003%). This sequence change replaces valine with methionine at codon 1066 of the CCDC40 protein (p.Val1066Met). The valine residue is highly conserved and there is a small physicochemical difference between valine and methionine.

Illumina Laboratory Services, Illumina
Classification: Uncertain significance for Primary ciliary dyskinesia 15. Last evaluated: 2018-01-12. Review status: criteria provided, single submitter. Criteria: ICSL Variant Classification Criteria 13 December 2019. Collection method: clinical testing. Allele origin: germline.